The following is an entry in ClinVar:

ClinVar aggregate classification (germline): Uncertain significance. Review status: criteria provided, multiple submitters, no conflicts (2 of 4 stars). 2 submissions from 2 submitters: Uncertain significance (2). Last evaluated 2025-08-10.

Allele frequency attached by ClinVar (database versions not stated): gnomAD exomes below 0.00001.
gnomAD v4.1: 1 of 1,614,180 alleles (0.000062%); highest among the groups gnomAD compares: Non-Finnish European, 0.000085%; no homozygotes.

Submissions (2):

Labcorp Genetics (formerly Invitae), Labcorp
Classification: Uncertain significance. Last evaluated: 2025-08-10. Review status: criteria provided, single submitter. Criteria: Invitae Variant Classification Sherloc (09022015). Collection method: clinical testing. Allele origin: germline.
Comment: This sequence change replaces valine, which is neutral and non-polar, with methionine, which is neutral and non-polar, at codon 2326 of the KMT2A protein (p.Val2326Met). This variant is not present in population databases (gnomAD no frequency). This variant has not been reported in the literature in individuals affected with KMT2A-related conditions. ClinVar contains an entry for this variant (Variation ID: 2575737). Invitae Evidence Modeling of protein sequence and biophysical properties (such as structural, functional, and spatial information, amino acid conservation, physicochemical variation, residue mobility, and thermodynamic stability) indicates that this missense variant is not expected to disrupt KMT2A protein function with a negative predictive value of 95%. In summary, the available evidence is currently insufficient to determine the role of this variant in disease. Therefore, it has been classified as a Variant of Uncertain Significance.

GeneDx
Classification: Uncertain significance. Last evaluated: 2023-02-12. Review status: criteria provided, single submitter. Criteria: GeneDx Variant Classification Process June 2021. Collection method: clinical testing. Allele origin: germline. Affected: yes.
Comment: Not observed at significant frequency in large population cohorts (gnomAD); In silico analysis supports that this missense variant does not alter protein structure/function; Has not been previously published as pathogenic or benign to our knowledge

NM_001197104.2(KMT2A):c.6976G>A (p.Val2326Met)

Gene: KMT2A (lysine methyltransferase 2A; plus strand). Cytogenetic location: 11q23.3.
Variant type: single nucleotide variant.
Coding change: c.6976G>A on transcript NM_001197104.2 (MANE Select); coding-DNA position 6976, G replaced by A.
Protein change: p.Val2326Met; replaces valine 2326 with methionine.
Molecular consequence: missense variant.
Genome position (GRCh38, 1-based): chr11:118,502,868, G>A. VCF-style: chr11-118502868-G-A. GRCh37 (hg19) VCF-style: chr11-118373583-G-A.
Other names: c.7066G>A, p.Val2356Met (NM_001412597.1); c.6967G>A, p.Val2323Met (NM_005933.4); short protein forms V2323M, V2326M, V2356M.
Identifiers: ClinVar variation 2575737 (VCV002575737.2), dbSNP rs1950522476, ClinGen allele CA382803844.